The following is an entry in ClinVar:

ClinVar aggregate classification (germline): Uncertain significance (1 of 4 stars; one submission).

Conditions:
Hereditary cancer-predisposing syndrome. Also called: Hereditary Cancer Syndrome; Hereditary neoplastic syndrome; Neoplastic Syndromes, Hereditary; Tumor predisposition. Identifiers: Orphanet 140162, MedGen C0027672, MeSH D009386, MONDO:0015356.

gnomAD v4.1: 1 of 1,614,122 alleles (0.000062%); highest among the groups gnomAD compares: Non-Finnish European, 0.000085%; no homozygotes.

Submission:

Ambry Genetics
Classification: Uncertain significance for Hereditary cancer-predisposing syndrome. Last evaluated: 2025-03-27. Review status: criteria provided, single submitter. Criteria: Ambry Variant Classification Scheme 2023. Collection method: clinical testing. Allele origin: germline.
Comment: The p.E463Q variant (also known as c.1387G>C), located in coding exon 4 of the MSH6 gene, results from a G to C substitution at nucleotide position 1387. The glutamic acid at codon 463 is replaced by glutamine, an amino acid with highly similar properties. This amino acid position is conserved. In addition, this alteration is predicted to be deleterious by in silico analysis. Based on the available evidence, the clinical significance of this variant remains unclear.

NM_000179.3(MSH6):c.1387G>C (p.Glu463Gln)

Gene: MSH6 (mutS homolog 6; plus strand). Cytogenetic location: 2p16.3.
Variant type: single nucleotide variant.
Coding change: c.1387G>C on transcript NM_000179.3 (MANE Select); coding-DNA position 1387, G replaced by C.
Protein change: p.Glu463Gln; replaces glutamic acid 463 with glutamine.
Molecular consequence: missense variant. On other transcripts: non-coding transcript variant (4), intron variant (1).
Genome position (GRCh38, 1-based): chr2:47,799,370, G>C. VCF-style: chr2-47799370-G-C. GRCh37 (hg19) VCF-style: chr2-48026509-G-C.
Other names: c.997G>C, p.Glu333Gln (NM_001281492.2); c.481G>C, p.Glu161Gln (NM_001281493.2, NM_001281494.2, NM_001406811.1 and 6 more transcripts); c.1483G>C, p.Glu495Gln (NM_001406795.1, NM_001406802.1); c.1387G>C, p.Glu463Gln (NM_001406796.1, NM_001406798.1, NM_001406800.1 and 4 more transcripts); c.1090G>C, p.Glu364Gln (NM_001406797.1, NM_001406801.1, NM_001406805.1 and 10 more transcripts); c.862G>C, p.Glu288Gln (NM_001406799.1, NM_001406806.1, NM_001406807.1); c.1309G>C, p.Glu437Gln (NM_001406804.1); c.1393G>C, p.Glu465Gln (NM_001406813.1); and 2 more; short protein forms E465Q, E495Q, E161Q, E288Q, E364Q, E407Q, E437Q, E463Q.
Identifiers: ClinVar variation 3913703 (VCV003913703.1).